The following is an entry in ClinVar:

NM_001943.5(DSG2):c.2918C>T (p.Thr973Ile)

Genes: DSG2 (desmoglein 2; plus strand), DSG2-AS1 (DSG2 antisense RNA 1; minus strand). Cytogenetic location: 18q12.1.
Variant type: single nucleotide variant.
Coding change: c.2918C>T on transcript NM_001943.5 (MANE Select); coding-DNA position 2918, C replaced by T.
Protein change: p.Thr973Ile; replaces threonine 973 with isoleucine.
Molecular consequence: missense variant.
Genome position (GRCh38, 1-based): chr18:31,546,304, C>T. VCF-style: chr18-31546304-C-T. GRCh37 (hg19) VCF-style: chr18-29126267-C-T.
Other names: short protein forms T973I.
Identifiers: ClinVar variation 3700554 (VCV003700554.2).

ClinVar aggregate classification (germline): Uncertain significance (1 of 4 stars; one submission).

Conditions:
Arrhythmogenic right ventricular dysplasia 10. Also called: Arrhythmogenic Right Ventricular Dysplasia/Cardiomyopathy10; ARRHYTHMOGENIC RIGHT VENTRICULAR DYSPLASIA, FAMILIAL, 10; Arrhythmogenic right ventricular dysplasia/cardiomyopathy, type 10. Identifiers: MedGen C1857777, MONDO:0012434, OMIM 610193.

Submission:

Labcorp Genetics (formerly Invitae), Labcorp
Classification: Uncertain significance for Arrhythmogenic right ventricular dysplasia 10. Last evaluated: 2024-06-22. Review status: criteria provided, single submitter. Criteria: Invitae Variant Classification Sherloc (09022015). Collection method: clinical testing. Allele origin: germline.
Comment: This sequence change replaces threonine, which is neutral and polar, with isoleucine, which is neutral and non-polar, at codon 973 of the DSG2 protein (p.Thr973Ile). This variant is not present in population databases (gnomAD no frequency). This variant has not been reported in the literature in individuals affected with DSG2-related conditions. Advanced modeling of protein sequence and biophysical properties (such as structural, functional, and spatial information, amino acid conservation, physicochemical variation, residue mobility, and thermodynamic stability) performed at Invitae indicates that this missense variant is not expected to disrupt DSG2 protein function with a negative predictive value of 95%. In summary, the available evidence is currently insufficient to determine the role of this variant in disease. Therefore, it has been classified as a Variant of Uncertain Significance.